The following is an entry in ClinVar:

NM_003482.4(KMT2D):c.6324G>A (p.Pro2108=)

Gene: KMT2D (lysine methyltransferase 2D; minus strand). Cytogenetic location: 12q13.12.
Variant type: single nucleotide variant.
Coding change: c.6324G>A on transcript NM_003482.4 (MANE Select); coding-DNA position 6324, G replaced by A.
Protein change: p.Pro2108=; no amino-acid change (proline 2108 retained).
Molecular consequence: synonymous variant.
Genome position (GRCh38, 1-based): chr12:49,041,446, C>T on the plus strand (G>A on the coding strand, the complement: KMT2D is on the minus strand). VCF-style: chr12-49041446-C-T. GRCh37 (hg19) VCF-style: chr12-49435229-C-T.
Identifiers: ClinVar variation 1551758 (VCV001551758.31), dbSNP rs373945547, ClinGen allele CA6547296.

ClinVar aggregate classification (germline): Likely benign. Review status: criteria provided, multiple submitters, no conflicts (2 of 4 stars). 2 submissions from 2 submitters: Likely benign (2). Last evaluated 2025-01-06.

Conditions:
Kabuki syndrome. Also called: Kabuki make-up syndrome; NIIKAWA-KUROKI SYNDROME. Identifiers: Orphanet 2322, MedGen C0796004, MONDO:0016512.

Allele frequency attached by ClinVar (database versions not stated): gnomAD exomes 0.00001 and 0.00002; ESP Exome Variant Server 0.00008.
gnomAD v4.1: 26 of 1,612,066 alleles (0.0016%); highest among the groups gnomAD compares: Middle Eastern, 0.033%; no homozygotes.

Submissions (2):

Labcorp Genetics (formerly Invitae), Labcorp
Classification: Likely benign for Kabuki syndrome. Last evaluated: 2025-01-06. Review status: criteria provided, single submitter. Criteria: Invitae Variant Classification Sherloc (09022015). Collection method: clinical testing. Allele origin: germline.

CeGaT Center for Human Genetics Tuebingen
Classification: Likely benign. Last evaluated: 2023-07-01. Review status: criteria provided, single submitter. Criteria: CeGaT Center For Human Genetics Tuebingen Variant Classification Criteria Version 2. Collection method: clinical testing. Allele origin: germline. Affected: yes. Observed: 1 variant allele.
Comment: KMT2D: BP4, BP7